The following is an entry in ClinVar:

ClinVar aggregate classification (germline): Pathogenic. Review status: criteria provided, single submitter (1 of 4 stars). 2 submissions from 2 submitters: Pathogenic (1). 1 of the submissions does not count toward it. Last evaluated 2025-08-21.

Conditions:
BBS5-related disorder. Also called: BBS5-related condition.
Bardet-Biedl syndrome (BBS). Identifiers: Orphanet 110, MedGen C0752166, MONDO:0015229.

Submissions (2):

Labcorp Genetics (formerly Invitae), Labcorp
Classification: Pathogenic for Bardet-Biedl syndrome. Last evaluated: 2025-08-21. Review status: criteria provided, single submitter. Criteria: Invitae Variant Classification Sherloc (09022015). Collection method: clinical testing. Allele origin: germline.
Comment: This sequence change creates a premature translational stop signal (p.Ala219Leufs*4) in the BBS5 gene. It is expected to result in an absent or disrupted protein product. Loss-of-function variants in BBS5 are known to be pathogenic (PMID: 15137946, 16877420, 26325687, 27708425, 28041643, 29806606). This variant is not present in population databases (gnomAD no frequency). This variant has not been reported in the literature in individuals affected with BBS5-related conditions. ClinVar contains an entry for this variant (Variation ID: 1391909). For these reasons, this variant has been classified as Pathogenic.

PreventionGenetics, part of Exact Sciences
Classification: Pathogenic for BBS5-related condition. Last evaluated: 2024-09-29. Review status: no assertion criteria provided. Collection method: clinical testing. Allele origin: germline. Not counted in ClinVar's aggregate classification.
Comment: The BBS5 c.655delG variant is predicted to result in a frameshift and premature protein termination (p.Ala219Leufs*4). To our knowledge, this variant has not been reported in the literature or in a large population database, indicating this variant is rare. Frameshift variants in BBS5 are expected to be pathogenic. This variant is interpreted as pathogenic.

Literature cited by the submitters: PubMed 15137946 (cited by Labcorp Genetics (formerly Invitae), Labcorp); PubMed 16877420 (cited by Labcorp Genetics (formerly Invitae), Labcorp); PubMed 26325687 (cited by Labcorp Genetics (formerly Invitae), Labcorp); PubMed 27708425 (cited by Labcorp Genetics (formerly Invitae), Labcorp); PubMed 28041643 (cited by Labcorp Genetics (formerly Invitae), Labcorp); PubMed 29806606 (cited by Labcorp Genetics (formerly Invitae), Labcorp).

NM_152384.3(BBS5):c.655del (p.Ala219fs)

Gene: BBS5 (Bardet-Biedl syndrome 5; plus strand). Cytogenetic location: 2q31.1.
Variant type: Deletion.
Coding change: c.655del on transcript NM_152384.3 (MANE Select); coding-DNA position 655, one base deleted (G; older notation c.655delG).
Protein change: p.Ala219fs; shifts the reading frame from alanine 219.
Molecular consequence: frameshift variant.
Genome position (GRCh38, 1-based): chr2:169,497,663, G deleted. VCF-style (leftmost placement, unchanged base first): chr2-169497662-AG-A. GRCh37 (hg19) VCF-style: chr2-170354172-AG-A.
Other names: c.655delG (NM_152384.2); short protein forms A219fs.
Identifiers: ClinVar variation 1391909 (VCV001391909.7), dbSNP rs2105300418, ClinGen allele CA2573133679.
Genomic context (GRCh38, chr2:169,497,662, plus strand): 5'-TTTTTCTTTTTCATTTTGTATCTAGCGTTCAATAAAGATTAGAGATTCAAAATTTGGTTT[AG>A]CTCTTGTCATAGAAAGCTCTCAGCAGGTAAGATCTTGTATATTTTTATTAATCTTTGATT-3'